The following is an entry in ClinVar:

ClinVar aggregate classification (germline): Uncertain significance (1 of 4 stars; one submission).

Conditions:
Hypertrophic cardiomyopathy. Also called: HYPERTROPHIC MYOCARDIOPATHY. Identifiers: Orphanet 217569, MedGen C0007194, MeSH D002312, MONDO:0005045, HP:0001639.

Submission:

Labcorp Genetics (formerly Invitae), Labcorp
Classification: Uncertain significance for Hypertrophic cardiomyopathy. Last evaluated: 2022-03-14. Review status: criteria provided, single submitter. Criteria: Invitae Variant Classification Sherloc (09022015). Collection method: clinical testing. Allele origin: germline.
Comment: In summary, the available evidence is currently insufficient to determine the role of this variant in disease. Therefore, it has been classified as a Variant of Uncertain Significance. Algorithms developed to predict the effect of missense changes on protein structure and function are either unavailable or do not agree on the potential impact of this missense change (SIFT: "Deleterious"; PolyPhen-2: "Benign"; Align-GVGD: "Class C55"). This variant has not been reported in the literature in individuals affected with MYBPC3-related conditions. This variant is not present in population databases (gnomAD no frequency). This sequence change replaces valine, which is neutral and non-polar, with alanine, which is neutral and non-polar, at codon 491 of the MYBPC3 protein (p.Val491Ala).

NM_000256.3(MYBPC3):c.1472T>C (p.Val491Ala)

Gene: MYBPC3 (myosin binding protein C3; minus strand). Cytogenetic location: 11p11.2.
Variant type: single nucleotide variant.
Coding change: c.1472T>C on transcript NM_000256.3 (MANE Select); coding-DNA position 1472, T replaced by C.
Protein change: p.Val491Ala; replaces valine 491 with alanine.
Molecular consequence: missense variant.
Genome position (GRCh38, 1-based): chr11:47,342,730, A>G on the plus strand (T>C on the coding strand, the complement: MYBPC3 is on the minus strand). VCF-style: chr11-47342730-A-G. GRCh37 (hg19) VCF-style: chr11-47364281-A-G.
Other names: short protein forms V491A.
Identifiers: ClinVar variation 1388775 (VCV001388775.6), dbSNP rs778361492, ClinGen allele CA380325284.